The following is an entry in ClinVar:

ClinVar aggregate classification (germline): Pathogenic. Review status: reviewed by expert panel (3 of 4 stars). 11 submissions from 11 submitters: Pathogenic (1). 10 of the submissions do not count toward it. Last evaluated 2017-03-17.

Conditions:
CFTR-related disorder (CFTR-RD). Also called: CFTR-related condition; CFTR-related disorders. Identifiers: MedGen C5924204, MONDO:7770004.
Cystic fibrosis (CF). Also called: MUCOVISCIDOSIS. Identifiers: Orphanet 586, MedGen C0010674, MONDO:0009061, OMIM 219700. Disease mechanism: loss of function.

Allele frequency attached by ClinVar (database versions not stated): gnomAD exomes below 0.00001; ExAC 0.00001.
gnomAD v4.1: 4 of 1,613,856 alleles (0.00025%); highest among the groups gnomAD compares: South Asian, 0.0033%; no homozygotes.

Submissions (11):

CFTR2
Classification: Pathogenic for Cystic fibrosis. Last evaluated: 2017-03-17. Review status: reviewed by expert panel. Criteria: Sosnay PR et al. (Nat Genet 2013). Collection method: research. Allele origin: germline. Affected: yes. Study: CFTR2.

Foundation for Research in Genetics and Endocrinology, FRIGE's Institute of Human Genetics
Classification: Pathogenic for Cystic fibrosis. Last evaluated: 2026-04-18. Review status: criteria provided, single submitter. Criteria: ACMG Guidelines, 2015. Collection method: clinical testing. Allele origin: germline. Inheritance: Autosomal recessive inheritance. Affected: yes. Observed: 1 variant allele, 1 compound heterozygote. Not counted in ClinVar's aggregate classification.
Comment: A heterozygous variant c.53+1G>T in intron 1 of the CFTR gene. This variant has not been reported in the 1000 genomes database. The variant c.53+1G>T has a minor allele frequency of 0.0004% in the gnomAD database. The in-silico prediction of the variant is deleterious by MutationTaster and SpliceAI. In summary, the variant meets our criteria to be classified as pathogenic.

Labcorp Genetics (formerly Invitae), Labcorp
Classification: Pathogenic for Cystic fibrosis. Last evaluated: 2025-03-17. Review status: criteria provided, single submitter. Criteria: Invitae Variant Classification Sherloc (09022015). Collection method: clinical testing. Allele origin: germline. Not counted in ClinVar's aggregate classification.
Comment: This sequence change affects a donor splice site in intron 1 of the CFTR gene. It is expected to disrupt RNA splicing. Variants that disrupt the donor or acceptor splice site typically lead to a loss of protein function (PMID: 16199547), and loss-of-function variants in CFTR are known to be pathogenic (PMID: 1695717, 7691345, 9725922). This variant is present in population databases (rs397508746, gnomAD 0.003%). Disruption of this splice site has been observed in individual(s) with cystic fibrosis and/or pancreatic insufficiency (PMID: 16596947, 22658665, 31126253, 32429104). This variant is also known as 185+1G>T. ClinVar contains an entry for this variant (Variation ID: 53988). Algorithms developed to predict the effect of sequence changes on RNA splicing suggest that this variant may disrupt the consensus splice site. For these reasons, this variant has been classified as Pathogenic.

Natera, Inc.
Classification: Pathogenic for CFTR-related disorders. Last evaluated: 2025-01-30. Review status: criteria provided, single submitter. Criteria: Natera Variant Classification Schema (03/2026). Collection method: clinical testing. Allele origin: germline. Not counted in ClinVar's aggregate classification.
Comment: The c.53+1G>T variant in CFTR is a canonical splice donor site variant predicted to affect pre-mRNA splicing, which may result in an abnormal transcript and altered protein product. This variant is expected to result in nonsense mediated decay, truncation, or a dysfunctional protein product. This variant is rare in the general population with a frequency below the threshold expected for the associated phenotype(s). This variant has been observed in one or more individuals affected with the associated recessive disease, as either homozygous or compound heterozygous with a second variant (PMID: 30548586). Given the available evidence, this variant is classified as Pathogenic.

Women's Health and Genetics/Laboratory Corporation of America, LabCorp
Classification: Pathogenic for Cystic fibrosis. Last evaluated: 2024-05-28. Review status: criteria provided, single submitter. Criteria: LabCorp Variant Classification Summary - May 2015. Collection method: clinical testing. Allele origin: germline. Not counted in ClinVar's aggregate classification.
Comment: Variant summary: CFTR c.53+1G>T is located in a canonical splice-site and is predicted to affect mRNA splicing resulting in a significantly altered protein due to either exon skipping, shortening, or inclusion of intronic material. Several computational tools predict a significant impact on normal splicing: Four predict the variant abolishes a 5' splicing donor site. However, these predictions have yet to be confirmed by functional studies. The variant allele was found at a frequency of 4e-06 in 250350 control chromosomes. c.53+1G>T has been reported in the literature in multiple individuals affected with Cystic Fibrosis (e.g. Bienvenu_2005, Makukh_2010, Ooi_2012, Krenkova_2012, Ivady_2015). These data indicate that the variant is very likely to be associated with disease. To our knowledge, no experimental evidence demonstrating an impact on protein function has been reported. The following publications have been ascertained in the context of this evaluation (PMID: 16596947, 20659818, 23276700, 22658665).ClinVar contains an entry for this variant (Variation ID: 53988). Based on the evidence outlined above, the variant was classified as pathogenic.

Blueprint Genetics
Classification: Pathogenic for CFTR-related disorders. Last evaluated: 2023-05-25. Review status: criteria provided, single submitter. Criteria: ACMG Guidelines, 2015. Collection method: clinical testing. Allele origin: germline. Affected: yes. Observed: 3 variant alleles. Not counted in ClinVar's aggregate classification.

Mendelics
Classification: Pathogenic for Cystic fibrosis. Last evaluated: 2018-11-05. Review status: criteria provided, single submitter. Criteria: Mendelics Assertion Criteria 2017. Collection method: clinical testing. Allele origin: unknown. Affected: yes. Not counted in ClinVar's aggregate classification.

CFTR-France
Classification: Pathogenic for cystic fibrosis. Last evaluated: 2018-01-29. Review status: criteria provided, single submitter. Criteria: Claustres M et al. (Hum Mutat 2017). Collection method: curation. Allele origin: germline. Affected: yes. Not counted in ClinVar's aggregate classification.

Neuberg Centre For Genomic Medicine, NCGM
Classification: Pathogenic for Cystic fibrosis. Review status: criteria provided, single submitter. Criteria: ACMG Guidelines, 2015. Collection method: clinical testing. Allele origin: germline. Inheritance: Autosomal recessive inheritance. Affected: yes. Not counted in ClinVar's aggregate classification.
Comment: The splice site variant c.53+1G>T in CFTR gene has been observed in affected individuals (Krenkova P et.al.,2013). This variant has been reported to the ClinVar database as Pathogenic. The c.53+1G>T variant is novel (not in any individuals) in 1000 Genomes and allele frequency of 0.0004% is reported in gnomAD. The variant affects an invariant splice nucleotide and is expected to cause loss of function. Loss of function variants have been previously reported to be disease causing. For these reasons, this variant has been classified as Pathogenic.

Suma Genomics
Classification: Pathogenic for Cystic fibrosis. Review status: criteria provided, single submitter. Criteria: ACMG Guidelines, 2015. Collection method: clinical testing. Allele origin: germline. Inheritance: Autosomal recessive inheritance. Affected: yes. Observed: 1 compound heterozygote. Not counted in ClinVar's aggregate classification.
Comment: The splice variant c.53+1G>T (g.117480148G>T) is observed in intron 1 of CFTR in trans with another pathogenic variant. This variant is observed in the four individuals in the gnomAD database in heterozygous state. In-silico analysis tool SpliceAI predicts this variant in CFTR to cause aberrant splicing. ACMG classification: Pathogenic Criteria met: PVS1, PS4 and PM2_Supporting

Counsyl
Classification: Likely pathogenic for Cystic fibrosis. Last evaluated: 2014-10-16. Review status: no assertion criteria provided. Collection method: literature only. Allele origin: unknown. Inheritance: Autosomal recessive inheritance. Not counted in ClinVar's aggregate classification.

Literature cited by the submitters: PubMed 16199547 (cited by Labcorp Genetics (formerly Invitae), Labcorp); PubMed 1695717 (cited by Labcorp Genetics (formerly Invitae), Labcorp); PubMed 7691345 (cited by Labcorp Genetics (formerly Invitae), Labcorp); PubMed 9725922 (cited by Labcorp Genetics (formerly Invitae), Labcorp); PubMed 16596947 (cited by 3 submitters); PubMed 22658665 (cited by 3 submitters); PubMed 31126253 (cited by Labcorp Genetics (formerly Invitae), Labcorp); PubMed 32429104 (cited by Labcorp Genetics (formerly Invitae), Labcorp); PubMed 30548586 (cited by Natera, Inc.); PubMed 20659818 (cited by Women's Health and Genetics/Laboratory Corporation of America, LabCorp and Counsyl); PubMed 23276700 (cited by Women's Health and Genetics/Laboratory Corporation of America, LabCorp and Counsyl); PubMed 20059485 (cited by Counsyl).

NM_000492.4(CFTR):c.53+1G>T

Gene: CFTR (CF transmembrane conductance regulator; plus strand). Cytogenetic location: 7q31.2.
Variant type: single nucleotide variant.
Coding change: c.53+1G>T on transcript NM_000492.4 (MANE Select); the canonical splice donor site of the intron after coding-DNA position 53, G replaced by T.
Molecular consequence: splice donor variant.
Genome position (GRCh38, 1-based): chr7:117,480,148, G>T. VCF-style: chr7-117480148-G-T. GRCh37 (hg19) VCF-style: chr7-117120202-G-T.
Other names: 185+1G->T.
Identifiers: ClinVar variation 53988 (VCV000053988.17), dbSNP rs397508746, ClinGen allele CA327550.
Genomic context (GRCh38, chr7:117,480,148, plus strand): 5'-AGAGACCATGCAGAGGTCGCCTCTGGAAAAGGCCAGCGTTGTCTCCAAACTTTTTTTCAG[G>T]TGAGAAGGTGGCCAACCGAGCTTCGGAAAGACACGTGCCCACGAAAGAGGAGGGCGTGTG-3'